The following is an entry in ClinVar:

NM_006245.4(PPP2R5D):c.1027C>T (p.Leu343=)

Gene: PPP2R5D (protein phosphatase 2 regulatory subunit B'delta; plus strand). Cytogenetic location: 6p21.1.
Variant type: single nucleotide variant.
Coding change: c.1027C>T on transcript NM_006245.4 (MANE Select); coding-DNA position 1027, C replaced by T.
Protein change: p.Leu343=; no amino-acid change (leucine 343 retained).
Molecular consequence: synonymous variant.
Genome position (GRCh38, 1-based): chr6:43,008,693, C>T. VCF-style: chr6-43008693-C-T. GRCh37 (hg19) VCF-style: chr6-42976431-C-T.
Other names: c.574C>T, p.Leu192= (NM_001270476.2); c.931C>T, p.Leu311= (NM_180976.3); c.709C>T, p.Leu237= (NM_180977.3).
Identifiers: ClinVar variation 1356220 (VCV001356220.9), dbSNP rs750347123, ClinGen allele CA3811982.

ClinVar aggregate classification (germline): Conflicting classifications of pathogenicity. Review status: criteria provided, conflicting classifications (1 of 4 stars). 2 submissions from 2 submitters: Uncertain significance (1); Likely benign (1). Last evaluated 2024-12-24.

Allele frequency attached by ClinVar (database versions not stated): ExAC 0.00001; gnomAD 0.00001; gnomAD exomes 0.00001; TOPMed 0.00001.
gnomAD v4.1: 21 of 1,613,984 alleles (0.0013%); highest among the groups gnomAD compares: Non-Finnish European, 0.0018%; no homozygotes.

Submissions (2):

Labcorp Genetics (formerly Invitae), Labcorp
Classification: Uncertain significance. Last evaluated: 2024-12-24. Review status: criteria provided, single submitter. Criteria: Invitae Variant Classification Sherloc (09022015). Collection method: clinical testing. Allele origin: germline.
Comment: This sequence change affects codon 343 of the PPP2R5D mRNA. It is a 'silent' change, meaning that it does not change the encoded amino acid sequence of the PPP2R5D protein. It affects a nucleotide within the consensus splice site. This variant is not present in population databases (gnomAD no frequency). This variant has not been reported in the literature in individuals affected with PPP2R5D-related conditions. ClinVar contains an entry for this variant (Variation ID: 1356220). Algorithms developed to predict the effect of sequence changes on RNA splicing suggest that this variant is not likely to affect RNA splicing. In summary, the available evidence is currently insufficient to determine the role of this variant in disease. Therefore, it has been classified as a Variant of Uncertain Significance.

Blueprint Genetics
Classification: Likely benign. Last evaluated: 2022-05-09. Review status: criteria provided, single submitter. Criteria: ACMG Guidelines, 2015. Collection method: clinical testing. Allele origin: germline.